The following is an entry in ClinVar:

NM_001363705.2(UBR2):c.549A>G (p.Leu183=)

Gene: UBR2 (ubiquitin protein ligase E3 component n-recognin 2; plus strand). Cytogenetic location: 6p21.1.
Variant type: single nucleotide variant.
Coding change: c.549A>G on transcript NM_001363705.2 (MANE Select); coding-DNA position 549, A replaced by G.
Protein change: p.Leu183=; no amino-acid change (leucine 183 retained).
Molecular consequence: synonymous variant.
Genome position (GRCh38, 1-based): chr6:42,603,605, A>G. VCF-style: chr6-42603605-A-G. GRCh37 (hg19) VCF-style: chr6-42571343-A-G.
Other names: c.549A>G, p.Leu183= (NM_001184801.2, NM_015255.3).
Identifiers: ClinVar variation 2656553 (VCV002656553.24), dbSNP rs1467771423, ClinGen allele CA450341187.

ClinVar aggregate classification (germline): Likely benign (1 of 4 stars; one submission).

Allele frequency attached by ClinVar (database versions not stated): gnomAD 0.00001; TOPMed 0.00001.
gnomAD v4.1: 1 of 1,570,034 alleles (0.000064%); highest among the groups gnomAD compares: African/African-American, 0.0014%; no homozygotes.

Submission:

CeGaT Center for Human Genetics Tuebingen
Classification: Likely benign. Last evaluated: 2022-09-01. Review status: criteria provided, single submitter. Criteria: CeGaT Center For Human Genetics Tuebingen Variant Classification Criteria Version 2. Collection method: clinical testing. Allele origin: germline. Affected: yes. Observed: 1 variant allele.
Comment: UBR2: BP4, BP7